The following is an entry in ClinVar:

NM_000399.5(EGR2):c.1232A>G (p.Asp411Gly)

Gene: EGR2 (early growth response 2; minus strand). Cytogenetic location: 10q21.3.
Variant type: single nucleotide variant.
Coding change: c.1232A>G on transcript NM_000399.5 (MANE Select); coding-DNA position 1232, A replaced by G.
Protein change: p.Asp411Gly; replaces aspartic acid 411 with glycine.
Molecular consequence: missense variant.
Genome position (GRCh38, 1-based): chr10:62,813,406, T>C on the plus strand (A>G on the coding strand, the complement: EGR2 is on the minus strand). VCF-style: chr10-62813406-T-C. GRCh37 (hg19) VCF-style: chr10-64573166-T-C.
Other names: c.1232A>G, p.Asp411Gly (NM_001136177.3, NM_001136178.2); c.1082A>G, p.Asp361Gly (NM_001136179.3, NM_001321037.2); short protein forms D361G, D411G.
Identifiers: ClinVar variation 1525978 (VCV001525978.3), dbSNP rs2132702182, ClinGen allele CA377027300.
Genomic context (GRCh38, chr10:62,813,406, plus strand): 5'-GGGGCACTGCTTTTCCGCTCTTTCTGTCTCAGGTGGATCTTGGTGTGGCGCTTCCTCTCA[T>C]CACTCCGGGCAAACTTTCGGCCACAGTAGTCACAGGCGAAGGGCTTCTCACCGGTGTGGG-3'
Protein context (NP_000390.2, residues 401-421): DYCGRKFARS[Asp411Gly]ERKRHTKIHL

ClinVar aggregate classification (germline): Pathogenic (1 of 4 stars; one submission).

Conditions:
Dejerine-Sottas disease. Also called: HMSN Type III; Hereditary motor and sensory neuropathy 3; Charcot-Marie-Tooth disease type 3; DEJERINE-SOTTAS NEUROPATHY; HEREDITARY MOTOR AND SENSORY NEUROPATHY TYPE III. Identifiers: Orphanet 64748, MedGen C0011195, MONDO:0007790, OMIM 145900.

Submission:

Northcott Neuroscience Laboratory, ANZAC Research Institute
Classification: Pathogenic for Dejerine-Sottas disease. Review status: criteria provided, single submitter. Criteria: ACMG Guidelines, 2015. Collection method: clinical testing. Allele origin: de novo. Inheritance: Autosomal dominant inheritance. Affected: yes.
Comment: In silico analyses showed that the Asp411 residue is evolutionarily conserved, and the p.Asp411Gly variant was predicted to be deleterious by multiple in silico analyses. A luciferase-based reporter assay confirmed the reduced ability of p.Asp411Gly EGR2 to activate a PMP22 (peripheral myelin protein 22) enhancer element compared to wild-type EGR2. (DOI 10.1038/s41598-019-55875-4)

Literature cited by the submitters: DOI 10.1038/s41598-019-55875-4.